The following is an entry in ClinVar:

NM_152672.6(SLC51A):c.521+8G>A

Gene: SLC51A (solute carrier family 51 member A; plus strand). Cytogenetic location: 3q29.
Variant type: single nucleotide variant.
Coding change: c.521+8G>A on transcript NM_152672.6 (MANE Select); 8 bases into the intron after coding-DNA position 521, G replaced by A.
Molecular consequence: intron variant.
Genome position (GRCh38, 1-based): chr3:196,228,281, G>A. VCF-style: chr3-196228281-G-A. GRCh37 (hg19) VCF-style: chr3-195955152-G-A.
Identifiers: ClinVar variation 4990533 (VCV004990533.1).

ClinVar aggregate classification (germline): Likely benign (1 of 4 stars; one submission).

Conditions:
SLC51A-related disorder. Also called: SLC51A-related condition.

Submission:

PreventionGenetics, part of Exact Sciences
Classification: Likely benign for SLC51A-related condition. Last evaluated: 2025-06-18. Review status: criteria provided, single submitter. Criteria: ACMG Guidelines, 2015. Collection method: clinical testing. Allele origin: germline.
Comment: This variant is classified as likely benign based on ACMG/AMP sequence variant interpretation guidelines (Richards et al. 2015 PMID: 25741868, with internal and published modifications).